The following is an entry in ClinVar:

ClinVar aggregate classification (germline): Likely benign. Review status: criteria provided, single submitter (1 of 4 stars). 2 submissions from 2 submitters: Likely benign (1). 1 of the submissions does not count toward it. Last evaluated 2024-12-12.

Conditions:
Bardet-Biedl syndrome (BBS). Identifiers: Orphanet 110, MedGen C0752166, MONDO:0015229.
BBS2-related disorder. Also called: BBS2-related disorders; BBS2-related condition. Identifiers: MedGen CN239228.

Submissions (2):

Labcorp Genetics (formerly Invitae), Labcorp
Classification: Likely benign for Bardet-Biedl syndrome. Last evaluated: 2024-12-12. Review status: criteria provided, single submitter. Criteria: Invitae Variant Classification Sherloc (09022015). Collection method: clinical testing. Allele origin: germline.

PreventionGenetics, part of Exact Sciences
Classification: Likely benign for BBS2-related condition. Last evaluated: 2020-08-24. Review status: no assertion criteria provided. Collection method: clinical testing. Allele origin: germline. Not counted in ClinVar's aggregate classification.
Comment: This variant is classified as likely benign based on ACMG/AMP sequence variant interpretation guidelines (Richards et al. 2015 PMID: 25741868, with internal and published modifications).

NM_031885.5(BBS2):c.165C>G (p.Ser55=)

Gene: BBS2 (Bardet-Biedl syndrome 2; minus strand). Cytogenetic location: 16q13.
Variant type: single nucleotide variant.
Coding change: c.165C>G on transcript NM_031885.5 (MANE Select); coding-DNA position 165, C replaced by G.
Protein change: p.Ser55=; no amino-acid change (serine 55 retained).
Molecular consequence: synonymous variant. On other transcripts: non-coding transcript variant (5).
Genome position (GRCh38, 1-based): chr16:56,514,633, G>C on the plus strand (C>G on the coding strand, the complement: BBS2 is on the minus strand). VCF-style: chr16-56514633-G-C. GRCh37 (hg19) VCF-style: chr16-56548545-G-C.
Other names: c.165C>G, p.Ser55= (NM_001377456.1).
Identifiers: ClinVar variation 3351280 (VCV003351280.3).
Genomic context (GRCh38, chr16:56,514,633, plus strand): 5'-GACTGCCTGGTTAATGCTGAGAAGAGAAACATCAGATTCCAGGGGGCTCTGGAAGACCCT[G>C]GATGCACTGACATGCTGGTTCCGTGTATGAGGATTATGAATAAAAACCTGAAACAAAAAT-3'
Protein context (NP_114091.4, residues 45-65): PHTRNQHVSA[Ser55=]RVFQSPLESD